The following is an entry in ClinVar:

NM_025114.4(CEP290):c.2776G>C (p.Ala926Pro)

Gene: CEP290 (centrosomal protein 290; minus strand). Cytogenetic location: 12q21.32.
Variant type: single nucleotide variant.
Coding change: c.2776G>C on transcript NM_025114.4 (MANE Select); coding-DNA position 2776, G replaced by C.
Protein change: p.Ala926Pro; replaces alanine 926 with proline.
Molecular consequence: missense variant.
Genome position (GRCh38, 1-based): chr12:88,106,716, C>G on the plus strand (G>C on the coding strand, the complement: CEP290 is on the minus strand). VCF-style: chr12-88106716-C-G. GRCh37 (hg19) VCF-style: chr12-88500493-C-G.
Other names: short protein forms A926P.
Identifiers: ClinVar variation 2140059 (VCV002140059.4), dbSNP rs2500614358, ClinGen allele CA385970840.
Genomic context (GRCh38, chr12:88,106,716, plus strand): 5'-AAATAAGAATCAGATGTACCTTAAATCTTTGCAAACACCCAATTTTTTCACAAACTTCAG[C>G]CTCCATTGACAACAATTCATTCTTTTGCTTCTCATTTTCTTTTCTAAGTTGTCGCTCCAA-3'
Protein context (NP_079390.3, residues 916-936): KQKNELLSME[Ala926Pro]EVCEKIGCLQ

ClinVar aggregate classification (germline): Uncertain significance (1 of 4 stars; one submission).

Conditions:
Joubert syndrome. Also called: CEREBELLOPARENCHYMAL DISORDER IV; JOUBERT-BOLTSHAUSER SYNDROME; Familial aplasia of the vermis. Identifiers: Orphanet 475, MedGen C5979921, MONDO:0018772.
Nephronophthisis. Also called: Juvenile Nephronophthisis. Identifiers: Orphanet 655, MedGen C0687120, MONDO:0019005, HP:0000090.
Meckel-Gruber syndrome. Also called: DYSENCEPHALIA SPLANCHNOCYSTICA; GRUBER SYNDROME; Dysencephalia splachnocystica. Identifiers: Orphanet 564, MedGen C0265215, MONDO:0018921.

gnomAD v4.1: 4 of 1,611,310 alleles (0.00025%); highest among the groups gnomAD compares: Non-Finnish European, 0.00034%; no homozygotes.

Submission:

Labcorp Genetics (formerly Invitae), Labcorp
Classification: Uncertain significance for Joubert syndrome; Meckel-Gruber syndrome; Nephronophthisis. Last evaluated: 2022-03-11. Review status: criteria provided, single submitter. Criteria: Invitae Variant Classification Sherloc (09022015). Collection method: clinical testing. Allele origin: germline.
Comment: In summary, the available evidence is currently insufficient to determine the role of this variant in disease. Therefore, it has been classified as a Variant of Uncertain Significance. Algorithms developed to predict the effect of missense changes on protein structure and function are either unavailable or do not agree on the potential impact of this missense change (SIFT: "Tolerated"; PolyPhen-2: "Possibly Damaging"; Align-GVGD: "Class C0"). This variant has not been reported in the literature in individuals affected with CEP290-related conditions. This variant is not present in population databases (gnomAD no frequency). This sequence change replaces alanine, which is neutral and non-polar, with proline, which is neutral and non-polar, at codon 926 of the CEP290 protein (p.Ala926Pro).